The following is an entry in ClinVar:

NM_000492.4(CFTR):c.2501T>C (p.Phe834Ser)

Gene: CFTR (CF transmembrane conductance regulator; plus strand). Cytogenetic location: 7q31.2.
Variant type: single nucleotide variant.
Coding change: c.2501T>C on transcript NM_000492.4 (MANE Select); coding-DNA position 2501, T replaced by C.
Protein change: p.Phe834Ser; replaces phenylalanine 834 with serine.
Molecular consequence: missense variant.
Genome position (GRCh38, 1-based): chr7:117,594,940, T>C. VCF-style: chr7-117594940-T-C. GRCh37 (hg19) VCF-style: chr7-117234994-T-C.
Other names: short protein forms F834S.
Identifiers: ClinVar variation 3266688 (VCV003266688.1).

ClinVar aggregate classification (germline): Uncertain significance (1 of 4 stars; one submission).

Conditions:
Cystic fibrosis (CF). Also called: MUCOVISCIDOSIS. Identifiers: Orphanet 586, MedGen C0010674, MONDO:0009061, OMIM 219700. Disease mechanism: loss of function.

gnomAD v4.1: 1 of 1,613,122 alleles (0.000062%); highest among the groups gnomAD compares: Non-Finnish European, 0.000085%; no homozygotes.

Submission:

Ambry Genetics
Classification: Uncertain significance for Cystic fibrosis. Last evaluated: 2024-05-26. Review status: criteria provided, single submitter. Criteria: Ambry Variant Classification Scheme 2023. Collection method: clinical testing. Allele origin: germline.
Comment: The p.F834S variant (also known as c.2501T>C), located in coding exon 15 of the CFTR gene, results from a T to C substitution at nucleotide position 2501. The phenylalanine at codon 834 is replaced by serine, an amino acid with highly dissimilar properties. This amino acid position is conserved. In addition, the in silico prediction for this alteration is inconclusive. Based on the available evidence, the clinical significance of this variant remains unclear.